The following is an entry in ClinVar:

ClinVar aggregate classification (germline): Uncertain significance. Review status: criteria provided, multiple submitters, no conflicts (2 of 4 stars). 2 submissions from 2 submitters: Uncertain significance (2). Last evaluated 2026-01-01.

Conditions:
Cardiovascular phenotype. Identifiers: MedGen CN230736.

Submissions (2):

CeGaT Center for Human Genetics Tuebingen
Classification: Uncertain significance. Last evaluated: 2026-01-01. Review status: criteria provided, single submitter. Criteria: CeGaT Center For Human Genetics Tuebingen Variant Classification Criteria Version 2. Collection method: clinical testing. Allele origin: germline. Affected: yes. Observed: 1 variant allele.
Comment: MYPN: PM2

Ambry Genetics
Classification: Uncertain significance for Cardiovascular phenotype. Last evaluated: 2023-09-14. Review status: criteria provided, single submitter. Criteria: Ambry Variant Classification Scheme 2023. Collection method: clinical testing. Allele origin: germline.
Comment: The p.T1288I variant (also known as c.3863C>T), located in coding exon 19 of the MYPN gene, results from a C to T substitution at nucleotide position 3863. The threonine at codon 1288 is replaced by isoleucine, an amino acid with similar properties. This amino acid position is conserved. In addition, this alteration is predicted to be tolerated by in silico analysis. Since supporting evidence is limited at this time, the clinical significance of this alteration remains unclear.

NM_032578.4(MYPN):c.3863C>T (p.Thr1288Ile)

Gene: MYPN (myopalladin; plus strand). Cytogenetic location: 10q21.3.
Variant type: single nucleotide variant.
Coding change: c.3863C>T on transcript NM_032578.4 (MANE Select); coding-DNA position 3863, C replaced by T.
Protein change: p.Thr1288Ile; replaces threonine 1288 with isoleucine.
Molecular consequence: missense variant. On other transcripts: non-coding transcript variant (2).
Genome position (GRCh38, 1-based): chr10:68,210,355, C>T. VCF-style: chr10-68210355-C-T. GRCh37 (hg19) VCF-style: chr10-69970112-C-T.
Other names: c.3863C>T, p.Thr1288Ile (NM_001256267.2); c.2981C>T, p.Thr994Ile (NM_001256268.2); short protein forms T1288I, T994I.
Identifiers: ClinVar variation 2625938 (VCV002625938.6), dbSNP rs1317427883, ClinGen allele CA376830053.